The following continues an entry in ClinVar:

NM_007294.4(BRCA1):c.5014CAC[1] (p.His1673del)

Gene: BRCA1. ClinVar aggregate classification (germline): Pathogenic/Likely pathogenic. Pathogenic (5); Likely pathogenic (11).

Submissions 8 to 18 of 18:

Quest Diagnostics Nichols Institute San Juan Capistrano
Classification: Pathogenic. Last evaluated: 2023-11-21. Review status: criteria provided, single submitter. Criteria: Quest Diagnostics criteria. Collection method: clinical testing. Allele origin: unknown.
Comment: The BRCA1 c.5017_5019del (p.His1673del) variant (also known as 5136delCAC) has been reported in the published literature in multiple individuals and/or families with breast and/or ovarian cancer (PMID: 11802209 (2002), 18092194 (2008), 19499246 (2009), 27062684 (2016), 33078592 (2020), 34645131 (2022), 34981296 (2022), 36601340 (2022)), and has been shown to segregate with disease (PMID: 28186987 (2017)). This variant has not been reported in large, multi-ethnic general populations (Genome Aggregation Database). Based on the available information, this variant is classified as pathogenic.

3billion
Classification: Likely pathogenic for Breast-ovarian cancer, familial, susceptibility to, 1. Last evaluated: 2023-02-23. Review status: criteria provided, single submitter. Criteria: ACMG Guidelines, 2015. Collection method: clinical testing. Allele origin: unknown. Affected: yes.
Comment: The variant is not observed in the gnomAD v2.1.1 dataset. This variant was predicted to result in inframe deletion located in a non-repeat region and is predicted to change the length of the protein and disrupt normal protein function. The variant has been reported at least twice as pathogenic with clinical assertions and evidence for the classification (ClinVar ID: VCV000055355). Therefore, this variant is classified as Likely pathogenic according to the recommendation of ACMG/AMP guideline.

MGZ Medical Genetics Center
Classification: Likely pathogenic for Breast-ovarian cancer, familial, susceptibility to, 1. Last evaluated: 2022-08-03. Review status: criteria provided, single submitter. Criteria: ACMG Guidelines, 2015. Collection method: clinical testing. Allele origin: germline. Affected: yes. Observed: 1 variant allele.
Comment: ACMG criteria applied: PS4, PM4, PM2_SUP

Revvity Omics, Revvity
Classification: Likely pathogenic. Last evaluated: 2022-05-09. Review status: criteria provided, single submitter. Criteria: ACMG Guidelines, 2015. Collection method: clinical testing. Allele origin: germline.

Baylor Genetics
Classification: Likely pathogenic for Breast-ovarian cancer, familial, susceptibility to, 1. Last evaluated: 2022-04-25. Review status: criteria provided, single submitter. Criteria: ACMG Guidelines, 2015. Collection method: clinical testing. Allele origin: unknown.

Color Diagnostics, LLC DBA Color Health
Classification: Likely pathogenic for Hereditary cancer-predisposing syndrome. Last evaluated: 2021-09-01. Review status: criteria provided, single submitter. Criteria: ACMG Guidelines, 2015. Collection method: clinical testing. Allele origin: germline.
Comment: This variant causes a deletion of histidine at codon 1673 in the BRCT1 domain of the BRCA1 protein. To our knowledge, functional studies have not been reported for this variant. In silico modeling has shown that His1673 in the BRCT domain of BRCA1 is predicted to interact with the BRCT domain of BARD1 (PMID 28186987). This variant has been reported in more than 20 unrelated individuals affected with breast and/or ovarian cancer (11802209, 19499246, 28186987, 28364669, 30725392, 33078592, 33801055, 33875706, 34063308), and a multifactorial analysis has reported a segregation likelihood ratio for pathogenicity of 17.5575 (PMID: 31131967). This variant has not been identified in the general population by the Genome Aggregation Database (gnomAD). Although additional studies are necessary to determine the mechanism of disease for this variant, this variant is classified as Likely Pathogenic based on the available clinical evidence.

Institute of Human Genetics, University of Leipzig Medical Center
Classification: Likely pathogenic for Breast-ovarian cancer, familial, susceptibility to, 1. Last evaluated: 2021-02-25. Review status: criteria provided, single submitter. Criteria: ACMG Guidelines, 2015. Collection method: clinical testing. Allele origin: unknown. Inheritance: Autosomal dominant inheritance. Affected: yes.
Comment: Criteria applied: PS4_STR, PM4_SUP, PM2_SUP

Mendelics
Classification: Likely pathogenic for Breast-ovarian cancer, familial, susceptibility to, 1. Last evaluated: 2019-05-28. Review status: criteria provided, single submitter. Criteria: Mendelics Assertion Criteria 2017. Collection method: clinical testing. Allele origin: unknown.

Genesis Genomics
Classification: Pathogenic for Breast-ovarian cancer, familial, susceptibility to, 1. Review status: criteria provided, single submitter. Criteria: ACMG Guidelines, 2015. Collection method: clinical testing. Allele origin: germline. Affected: yes. Observed: 2 variant alleles.

Department of Medical and Surgical Sciences, University of Bologna
Classification: Pathogenic for Breast-ovarian cancer, familial, susceptibility to, 1. Last evaluated: 2023-09-01. Review status: no assertion criteria provided. Collection method: clinical testing. Allele origin: germline. Affected: yes. Not counted in ClinVar's aggregate classification.
Comment: PS3(Strong)+PM3(Supporting)+PP4(Very Strong) according to ACMG/AMP classification guidelines specified for BRCA1 & BRCA2 (Classification Criteria V1.0.0 2023-09-08) (PMID: 38160042)

Breast Cancer Information Core (BIC) (BRCA1)
Classification: Uncertain significance for Breast-ovarian cancer, familial 1. Last evaluated: 1999-04-05. Review status: flagged submission. Collection method: clinical testing. Allele origin: germline. Affected: yes. Observed: 1 variant allele. Not counted in ClinVar's aggregate classification.
ClinVar note: Reason: Older claim that does not account for recent evidence

Literature cited by the submitters: PubMed 35373906 (cited by 3 submitters); PubMed 31131967 (cited by Dasa and Color Diagnostics, LLC DBA Color Health); PubMed 28186987 (cited by 6 submitters); PubMed 11802209 (cited by 4 submitters); PubMed 18092194 (cited by 4 submitters); PubMed 19499246 (cited by 3 submitters); PubMed 27062684 (cited by 4 submitters); PubMed 34645131 (cited by 3 submitters); PubMed 36601340 (cited by 4 submitters); PubMed 19941162 (cited by 3 submitters); PubMed 28324225 (cited by Ambry Genetics); PubMed 28364669 (cited by Ambry Genetics); PubMed 30254663 (cited by Ambry Genetics); PubMed 33078592 (cited by Ambry Genetics and Quest Diagnostics Nichols Institute San Juan Capistrano); PubMed 34981296 (cited by Ambry Genetics and Quest Diagnostics Nichols Institute San Juan Capistrano); PubMed 34597585 (cited by Quest Diagnostics Nichols Institute San Juan Capistrano); PubMed 22505045 (cited by Quest Diagnostics Nichols Institute San Juan Capistrano).